The following is an entry in ClinVar:

NM_138694.4(PKHD1):c.8830A>G (p.Ile2944Val)

Gene: PKHD1 (PKHD1 ciliary IPT domain containing fibrocystin/polyductin; minus strand). Cytogenetic location: 6p12.3.
Variant type: single nucleotide variant.
Coding change: c.8830A>G on transcript NM_138694.4 (MANE Select); coding-DNA position 8830, A replaced by G.
Protein change: p.Ile2944Val; replaces isoleucine 2944 with valine.
Molecular consequence: missense variant.
Genome position (GRCh38, 1-based): chr6:51,753,321, T>C on the plus strand (A>G on the coding strand, the complement: PKHD1 is on the minus strand). VCF-style: chr6-51753321-T-C. GRCh37 (hg19) VCF-style: chr6-51618119-T-C.
Other names: c.8830A>G, p.Ile2944Val (NM_170724.3); short protein forms I2944V.
Identifiers: ClinVar variation 908046 (VCV000908046.8), dbSNP rs773010322, ClinGen allele CA3851508.

ClinVar aggregate classification (germline): Uncertain significance. Review status: criteria provided, multiple submitters, no conflicts (2 of 4 stars). 4 submissions from 4 submitters: Uncertain significance (4). Last evaluated 2023-03-06.

Conditions:
Polycystic kidney disease 4 (PKD4). Also called: PKD3; POLYCYSTIC KIDNEY AND HEPATIC DISEASE 1; POLYCYSTIC KIDNEY DISEASE, INFANTILE, TYPE I; POLYCYSTIC KIDNEY DISEASE 4 WITH OR WITHOUT POLYCYSTIC LIVER DISEASE; Autosomal Recessive Polycystic Kidney Disease – PKHD1. Identifiers: MedGen C4540575, MONDO:0033004, OMIM 263200.
Inborn genetic diseases. Identifiers: MedGen C0950123, MeSH D030342.
Autosomal recessive polycystic kidney disease (ARPKD). Also called: AR polycystic kidney disease. Identifiers: Orphanet 731, Orphanet 8378, MedGen C0085548, MeSH D017044, MONDO:0009889.

Allele frequency attached by ClinVar (database versions not stated): gnomAD 0.00001; gnomAD exomes 0.00001; ExAC 0.00002.
gnomAD v4.1: 16 of 1,613,710 alleles (0.00099%); highest among the groups gnomAD compares: East Asian, 0.0089%; no homozygotes.

Submissions (4):

Ambry Genetics
Classification: Uncertain significance for Inborn genetic diseases. Last evaluated: 2023-03-06. Review status: criteria provided, single submitter. Criteria: Ambry Variant Classification Scheme 2023. Collection method: clinical testing. Allele origin: germline.

Fulgent Genetics
Classification: Uncertain significance for Polycystic kidney disease 4. Last evaluated: 2022-02-22. Review status: criteria provided, single submitter. Criteria: ACMG Guidelines, 2015. Collection method: clinical testing. Allele origin: unknown.

Labcorp Genetics (formerly Invitae), Labcorp
Classification: Uncertain significance for Autosomal recessive polycystic kidney disease. Last evaluated: 2022-02-20. Review status: criteria provided, single submitter. Criteria: Invitae Variant Classification Sherloc (09022015). Collection method: clinical testing. Allele origin: germline.
Comment: This sequence change replaces isoleucine, which is neutral and non-polar, with valine, which is neutral and non-polar, at codon 2944 of the PKHD1 protein (p.Ile2944Val). This variant is present in population databases (rs773010322, gnomAD 0.02%). This variant has not been reported in the literature in individuals affected with PKHD1-related conditions. ClinVar contains an entry for this variant (Variation ID: 908046). Advanced modeling of protein sequence and biophysical properties (such as structural, functional, and spatial information, amino acid conservation, physicochemical variation, residue mobility, and thermodynamic stability) performed at Invitae indicates that this missense variant is not expected to disrupt PKHD1 protein function. In summary, the available evidence is currently insufficient to determine the role of this variant in disease. Therefore, it has been classified as a Variant of Uncertain Significance.

Illumina Laboratory Services, Illumina
Classification: Uncertain significance for Polycystic kidney disease 4. Last evaluated: 2017-04-28. Review status: criteria provided, single submitter. Criteria: ICSL Variant Classification Criteria 13 December 2019. Collection method: clinical testing. Allele origin: germline.